The following is an entry in ClinVar:

NM_006516.4(SLC2A1):c.1436C>T (p.Pro479Leu)

Gene: SLC2A1 (solute carrier family 2 member 1; minus strand). Cytogenetic location: 1p34.2.
Variant type: single nucleotide variant.
Coding change: c.1436C>T on transcript NM_006516.4 (MANE Select); coding-DNA position 1436, C replaced by T.
Protein change: p.Pro479Leu; replaces proline 479 with leucine.
Molecular consequence: missense variant.
Genome position (GRCh38, 1-based): chr1:42,927,084, G>A on the plus strand (C>T on the coding strand, the complement: SLC2A1 is on the minus strand). VCF-style: chr1-42927084-G-A. GRCh37 (hg19) VCF-style: chr1-43392755-G-A.
Other names: short protein forms P479L.
Identifiers: ClinVar variation 836070 (VCV000836070.11), dbSNP rs1643434594, ClinGen allele CA339952575.

ClinVar aggregate classification (germline): Uncertain significance. Review status: criteria provided, multiple submitters, no conflicts (2 of 4 stars). 2 submissions from 2 submitters: Uncertain significance (2). Last evaluated 2023-01-31.

Conditions:
GLUT1 deficiency syndrome 1, autosomal recessive. Identifiers: MedGen C3149117.

Submissions (2):

Blueprint Genetics
Classification: Uncertain significance. Last evaluated: 2023-01-31. Review status: criteria provided, single submitter. Criteria: ACMG Guidelines, 2015. Collection method: clinical testing. Allele origin: germline.

Labcorp Genetics (formerly Invitae), Labcorp
Classification: Uncertain significance for GLUT1 deficiency syndrome 1, autosomal recessive. Last evaluated: 2022-12-14. Review status: criteria provided, single submitter. Criteria: Invitae Variant Classification Sherloc (09022015). Collection method: clinical testing. Allele origin: germline.
Comment: In summary, the available evidence is currently insufficient to determine the role of this variant in disease. Therefore, it has been classified as a Variant of Uncertain Significance. Advanced modeling of protein sequence and biophysical properties (such as structural, functional, and spatial information, amino acid conservation, physicochemical variation, residue mobility, and thermodynamic stability) has been performed at Invitae for this missense variant, however the output from this modeling did not meet the statistical confidence thresholds required to predict the impact of this variant on SLC2A1 protein function. ClinVar contains an entry for this variant (Variation ID: 836070). This variant has not been reported in the literature in individuals affected with SLC2A1-related conditions. This variant is not present in population databases (gnomAD no frequency). This sequence change replaces proline, which is neutral and non-polar, with leucine, which is neutral and non-polar, at codon 479 of the SLC2A1 protein (p.Pro479Leu).